The following is an entry in ClinVar:

NM_004168.4(SDHA):c.1064+4C>G

Gene: SDHA (succinate dehydrogenase complex flavoprotein subunit A; plus strand). Cytogenetic location: 5p15.33.
Variant type: single nucleotide variant.
Coding change: c.1064+4C>G on transcript NM_004168.4 (MANE Select); 4 bases into the intron after coding-DNA position 1064, C replaced by G.
Molecular consequence: intron variant.
Genome position (GRCh38, 1-based): chr5:233,649, C>G. VCF-style: chr5-233649-C-G. GRCh37 (hg19) VCF-style: chr5-233764-C-G.
Other names: c.1064+4C>G (NM_001330758.2, NM_004168.2); c.920+4C>G (NM_001294332.2).
Identifiers: ClinVar variation 1988456 (VCV001988456.5), dbSNP rs768276870, ClinGen allele CA2580073115.

ClinVar aggregate classification (germline): Uncertain significance. Review status: criteria provided, multiple submitters, no conflicts (2 of 4 stars). 2 submissions from 2 submitters: Uncertain significance (2). Last evaluated 2025-03-05.

Conditions:
Hereditary cancer-predisposing syndrome. Also called: Tumor predisposition; Hereditary Cancer Syndrome; Hereditary neoplastic syndrome; Neoplastic Syndromes, Hereditary. Identifiers: Orphanet 140162, MedGen C0027672, MeSH D009386, MONDO:0015356.
Mitochondrial complex II deficiency, nuclear type 1. Also called: SUCCINATE CoQ REDUCTASE DEFICIENCY. Identifiers: Orphanet 3208, MedGen C5700310, MONDO:0100294, OMIM 252011.
Pheochromocytoma/paraganglioma syndrome 5. Also called: Paragangliomas 5; SDHA-Related Hereditary Paraganglioma-Pheochromocytoma Syndrome. Identifiers: Orphanet 29072, MedGen C3279992, MONDO:0013602, OMIM 614165.

Submissions (2):

Labcorp Genetics (formerly Invitae), Labcorp
Classification: Uncertain significance for Pheochromocytoma/paraganglioma syndrome 5; Mitochondrial complex II deficiency, nuclear type 1. Last evaluated: 2025-03-05. Review status: criteria provided, single submitter. Criteria: Invitae Variant Classification Sherloc (09022015). Collection method: clinical testing. Allele origin: germline.
Comment: This sequence change falls in intron 8 of the SDHA gene. It does not directly change the encoded amino acid sequence of the SDHA protein. It affects a nucleotide within the consensus splice site. This variant is not present in population databases (gnomAD no frequency). This variant has not been reported in the literature in individuals affected with SDHA-related conditions. ClinVar contains an entry for this variant (Variation ID: 1988456). Variants that disrupt the consensus splice site are a relatively common cause of aberrant splicing (PMID: 17576681, 9536098). Algorithms developed to predict the effect of sequence changes on RNA splicing suggest that this variant is not likely to affect RNA splicing. In summary, the available evidence is currently insufficient to determine the role of this variant in disease. Therefore, it has been classified as a Variant of Uncertain Significance.

Ambry Genetics
Classification: Uncertain significance for Hereditary cancer-predisposing syndrome. Last evaluated: 2025-01-16. Review status: criteria provided, single submitter. Criteria: Ambry Variant Classification Scheme 2023. Collection method: clinical testing. Allele origin: germline.
Comment: The c.1064+4C>G intronic variant results from a C to G substitution 4 nucleotides after coding exon 8 in the SDHA gene. This nucleotide position is poorly conserved in available vertebrate species. In silico splice site analysis predicts that this alteration will not have any significant effect on splicing. Based on the available evidence, the clinical significance of this variant remains unclear.

Literature cited by the submitters: PubMed 17576681 (cited by Labcorp Genetics (formerly Invitae), Labcorp); PubMed 9536098 (cited by Labcorp Genetics (formerly Invitae), Labcorp).